The following is an entry in ClinVar:

ClinVar aggregate classification (germline): Uncertain significance. Review status: criteria provided, multiple submitters, no conflicts (2 of 4 stars). 2 submissions from 2 submitters: Uncertain significance (2). Last evaluated 2026-07-26.

Conditions:
TTN-related disorder. Also called: TTN-related disorders; TTN-related condition; TTN-related disease.

Allele frequency attached by ClinVar (database versions not stated): gnomAD exomes below 0.00001; TOPMed 0.00001.
gnomAD v4.1: 1 of 1,613,290 alleles (0.000062%); highest among the groups gnomAD compares: Non-Finnish European, 0.000085%; no homozygotes.

Submissions (2):

PreventionGenetics, part of Exact Sciences
Classification: Uncertain significance for TTN-related condition. Last evaluated: 2026-07-26. Review status: criteria provided, single submitter. Criteria: ACMG Guidelines, 2015. Collection method: clinical testing. Allele origin: germline.
Comment: The TTN c.43984G>C variant is predicted to result in the amino acid substitution p.Asp14662His. To our knowledge, this variant has not been reported in the literature or in a large population database (gnomAD), indicating this variant is rare. At this time, the clinical significance of this variant is uncertain due to the absence of conclusive functional and genetic evidence.

Laboratory for Molecular Medicine, Mass General Brigham Personalized Medicine
Classification: Uncertain significance. Last evaluated: 2015-11-05. Review status: criteria provided, single submitter. Criteria: LMM Criteria. Collection method: clinical testing. Allele origin: germline. Observed: 1 variant allele.
Comment: The p.Asp12094His variant in TTN has not been previously reported in individuals with cardiomyopathy or in large population studies. Computational prediction to ols and conservation analysis suggest that the p.Asp12094His variant may impact the protein, though this information is not predictive enough to determine patho genicity. In summary, the clinical significance of the p.Asp12094His variant is uncertain.

NM_001267550.2(TTN):c.43984G>C (p.Asp14662His)

Gene: TTN (titin; minus strand). Cytogenetic location: 2q31.2.
Variant type: single nucleotide variant.
Coding change: c.43984G>C on transcript NM_001267550.2 (MANE Select); coding-DNA position 43984, G replaced by C.
Protein change: p.Asp14662His; replaces aspartic acid 14662 with histidine.
Molecular consequence: missense variant.
Genome position (GRCh38, 1-based): chr2:178,631,064, C>G on the plus strand (G>C on the coding strand, the complement: TTN is on the minus strand). VCF-style: chr2-178631064-C-G. GRCh37 (hg19) VCF-style: chr2-179495791-C-G.
Other names: c.36280G>C, p.Asp12094His (NM_133378.4); c.39061G>C, p.Asp13021His (NM_001256850.1); c.16789G>C, p.Asp5597His (NM_003319.4); c.17164G>C, p.Asp5722His (NM_133432.3); c.17365G>C, p.Asp5789His (NM_133437.4); short protein forms D12094H, D14662H, D5789H, D5722H, D5597H, D13021H.
Identifiers: ClinVar variation 229432 (VCV000229432.6), dbSNP rs876658059, ClinGen allele CA10576531.